The following is an entry in ClinVar:

NM_022124.6(CDH23):c.8980-12C>T

Gene: CDH23 (cadherin related 23; plus strand). Cytogenetic location: 10q22.1.
Variant type: single nucleotide variant.
Coding change: c.8980-12C>T on transcript NM_022124.6 (MANE Select); 12 bases into the intron before coding-DNA position 8980, C replaced by T.
Molecular consequence: intron variant.
Genome position (GRCh38, 1-based): chr10:71,810,460, C>T. VCF-style: chr10-71810460-C-T. GRCh37 (hg19) VCF-style: chr10-73570217-C-T.
Other names: c.2260-12C>T (NM_001171933.1, NM_001171934.1).
Identifiers: ClinVar variation 46061 (VCV000046061.25), dbSNP rs111583276, ClinGen allele CA137619.

ClinVar aggregate classification (germline): Conflicting classifications of pathogenicity. Review status: criteria provided, conflicting classifications (1 of 4 stars). 7 submissions from 6 submitters: Uncertain significance (2); Benign (1); Likely benign (4). Last evaluated 2026-02-04.

Conditions:
Autosomal recessive nonsyndromic hearing loss 12. Also called: DEAFNESS, AUTOSOMAL RECESSIVE 12. Identifiers: Orphanet 90636, MedGen C1832394, MONDO:0011067, OMIM 601386.
Usher syndrome type 1D (USH1D). Also called: USHER SYNDROME, TYPE ID. Identifiers: Orphanet 231169, Orphanet 886, MedGen C1832845, MONDO:0010984, OMIM 601067.

Allele frequency attached by ClinVar (database versions not stated): 1000 Genomes Project 30x 0.00062; 1000 Genomes Project 0.00080; ESP Exome Variant Server 0.00082; TOPMed 0.00093; gnomAD 0.00095 and 0.00100; gnomAD exomes 0.00137 and 0.00172; ExAC 0.00152.
gnomAD v4.1: 2,659 of 1,613,518 alleles (0.16%); highest among the groups gnomAD compares: South Asian, 0.29%; 4 homozygotes.

Submissions (7):

Labcorp Genetics (formerly Invitae), Labcorp
Classification: Benign. Last evaluated: 2026-02-04. Review status: criteria provided, single submitter. Criteria: Invitae Variant Classification Sherloc (09022015). Collection method: clinical testing. Allele origin: germline.

Blueprint Genetics
Classification: Likely benign. Last evaluated: 2024-11-27. Review status: criteria provided, single submitter. Criteria: ACMG Guidelines, 2015. Collection method: clinical testing. Allele origin: germline.

ARUP Laboratories, Molecular Genetics and Genomics, ARUP Laboratories
Classification: Likely benign. Last evaluated: 2020-11-18. Review status: criteria provided, single submitter. Criteria: ARUP Molecular Germline Variant Investigation Process 2021. Collection method: clinical testing. Allele origin: germline.

GeneDx
Classification: Likely benign. Last evaluated: 2020-10-21. Review status: criteria provided, single submitter. Criteria: GeneDx Variant Classification Process June 2021. Collection method: clinical testing. Allele origin: germline. Affected: yes.

Illumina Laboratory Services, Illumina
Classification: Uncertain significance for Autosomal recessive nonsyndromic hearing loss 12. Last evaluated: 2018-01-13. Review status: criteria provided, single submitter. Criteria: ICSL Variant Classification Criteria 13 December 2019. Collection method: clinical testing. Allele origin: germline.

Illumina Laboratory Services, Illumina
Classification: Uncertain significance for Usher syndrome type 1D. Last evaluated: 2018-01-13. Review status: criteria provided, single submitter. Criteria: ICSL Variant Classification Criteria 13 December 2019. Collection method: clinical testing. Allele origin: germline.

Laboratory for Molecular Medicine, Mass General Brigham Personalized Medicine
Classification: Likely benign. Last evaluated: 2015-02-26. Review status: criteria provided, single submitter. Criteria: LMM Criteria. Collection method: clinical testing. Allele origin: germline. Observed: 4 variant alleles.
Comment: c.8980-12C>T in intron 61 of CDH23: This variant is not expected to have clinica l significance because a C>T change at this position does not diverge from the s plice consensus sequence and is therefore unlikely to impact splicing. It has be en identified in 0.3% (57/16364) of South Asian chromosomes by the Exome Aggrega tion Consortium (ExAC; dbSNP rs111583276).